The following is an entry in ClinVar:

NM_000843.4(GRM6):c.724G>T (p.Gly242Trp)

Gene: GRM6 (glutamate metabotropic receptor 6; minus strand). Cytogenetic location: 5q35.3.
Variant type: single nucleotide variant.
Coding change: c.724G>T on transcript NM_000843.4 (MANE Select); coding-DNA position 724, G replaced by T.
Protein change: p.Gly242Trp; replaces glycine 242 with tryptophan.
Molecular consequence: missense variant.
Genome position (GRCh38, 1-based): chr5:178,991,557, C>A on the plus strand (G>T on the coding strand, the complement: GRM6 is on the minus strand). VCF-style: chr5-178991557-C-A. GRCh37 (hg19) VCF-style: chr5-178418558-C-A.
Other names: short protein forms G242W.
Identifiers: ClinVar variation 1517314 (VCV001517314.6), dbSNP rs371175421, ClinGen allele CA362433409.

ClinVar aggregate classification (germline): Uncertain significance (1 of 4 stars; one submission).

gnomAD v4.1: 4 of 1,613,788 alleles (0.00025%); highest among the groups gnomAD compares: South Asian, 0.0033%; no homozygotes.

Submission:

Labcorp Genetics (formerly Invitae), Labcorp
Classification: Uncertain significance. Last evaluated: 2022-05-06. Review status: criteria provided, single submitter. Criteria: Invitae Variant Classification Sherloc (09022015). Collection method: clinical testing. Allele origin: germline.
Comment: In summary, the available evidence is currently insufficient to determine the role of this variant in disease. Therefore, it has been classified as a Variant of Uncertain Significance. Algorithms developed to predict the effect of sequence changes on RNA splicing suggest that this variant may disrupt the consensus splice site. Algorithms developed to predict the effect of missense changes on protein structure and function are either unavailable or do not agree on the potential impact of this missense change (SIFT: "Deleterious"; PolyPhen-2: "Probably Damaging"; Align-GVGD: "Class C0"). This variant has not been reported in the literature in individuals affected with GRM6-related conditions. This variant is present in population databases (no rsID available, gnomAD 0.003%). This sequence change replaces glycine, which is neutral and non-polar, with tryptophan, which is neutral and slightly polar, at codon 242 of the GRM6 protein (p.Gly242Trp).